The following is an entry in ClinVar:

NM_001127208.3(TET2):c.710G>A (p.Cys237Tyr)

Genes: TET2 (tet methylcytosine dioxygenase 2; plus strand), TET2-AS1 (TET2 antisense RNA 1; minus strand). Cytogenetic location: 4q24.
Variant type: single nucleotide variant.
Coding change: c.710G>A on transcript NM_001127208.3 (MANE Select); coding-DNA position 710, G replaced by A.
Protein change: p.Cys237Tyr; replaces cysteine 237 with tyrosine.
Molecular consequence: missense variant.
Genome position (GRCh38, 1-based): chr4:105,234,652, G>A. VCF-style: chr4-105234652-G-A. GRCh37 (hg19) VCF-style: chr4-106155809-G-A.
Other names: c.710G>A, p.Cys237Tyr (NM_017628.4); short protein forms C237Y.
Identifiers: ClinVar variation 2277331 (VCV002277331.6), dbSNP rs1560541449, ClinGen allele CA357792787.
Genomic context (GRCh38, chr4:105,234,652, plus strand): 5'-CCGTGGAACACACACATGGTGAACTCCTGGAAAAAACACTGTCTCAATATTATCCAGATT[G>A]TGTTTCCATTGCGGTGCAGAAAACCACATCTCACATAAATGCCATTAACAGTCAGGCTAC-3'
Protein context (NP_001120680.1, residues 227-247): EKTLSQYYPD[Cys237Tyr]VSIAVQKTTS

ClinVar aggregate classification (germline): Uncertain significance. Review status: criteria provided, multiple submitters, no conflicts (2 of 4 stars). 2 submissions from 2 submitters: Uncertain significance (2). Last evaluated 2025-01-14.

Allele frequency attached by ClinVar (database versions not stated): gnomAD exomes 0.00001.
gnomAD v4.1: 14 of 1,614,116 alleles (0.00087%); highest among the groups gnomAD compares: Non-Finnish European, 0.0011%; no homozygotes.

Submissions (2):

Ambry Genetics
Classification: Uncertain significance. Last evaluated: 2025-01-14. Review status: criteria provided, single submitter. Criteria: Ambry Variant Classification Scheme 2023. Collection method: clinical testing. Allele origin: germline.
Comment: The p.C237Y variant (also known as c.710G>A), located in coding exon 1 of the TET2 gene, results from a G to A substitution at nucleotide position 710. The cysteine at codon 237 is replaced by tyrosine, an amino acid with highly dissimilar properties. This amino acid position is conserved. In addition, this alteration is predicted to be tolerated by in silico analysis. Based on the available evidence, the clinical significance of this variant remains unclear.

Labcorp Genetics (formerly Invitae), Labcorp
Classification: Uncertain significance. Last evaluated: 2023-01-15. Review status: criteria provided, single submitter. Criteria: Invitae Variant Classification Sherloc (09022015). Collection method: clinical testing. Allele origin: germline.
Comment: In summary, the available evidence is currently insufficient to determine the role of this variant in disease. Therefore, it has been classified as a Variant of Uncertain Significance. Algorithms developed to predict the effect of missense changes on protein structure and function (SIFT, PolyPhen-2, Align-GVGD) all suggest that this variant is likely to be tolerated. This variant has not been reported in the literature in individuals affected with TET2-related conditions. This variant is not present in population databases (gnomAD no frequency). This sequence change replaces cysteine, which is neutral and slightly polar, with tyrosine, which is neutral and polar, at codon 237 of the TET2 protein (p.Cys237Tyr).